The following is an entry in ClinVar:

NM_003242.6(TGFBR2):c.770A>G (p.Glu257Gly)

Gene: TGFBR2 (transforming growth factor beta receptor 2; plus strand). Cytogenetic location: 3p24.1.
Variant type: single nucleotide variant.
Coding change: c.770A>G on transcript NM_003242.6 (MANE Select); coding-DNA position 770, A replaced by G.
Protein change: p.Glu257Gly; replaces glutamic acid 257 with glycine.
Molecular consequence: missense variant.
Genome position (GRCh38, 1-based): chr3:30,671,953, A>G. VCF-style: chr3-30671953-A-G. GRCh37 (hg19) VCF-style: chr3-30713445-A-G.
Other names: c.845A>G, p.Glu282Gly (NM_001024847.3); c.953A>G, p.Glu318Gly (NM_001407126.1); c.878A>G, p.Glu293Gly (NM_001407127.1); c.797A>G, p.Glu266Gly (NM_001407128.1); c.773A>G, p.Glu258Gly (NM_001407129.1); c.770A>G, p.Glu257Gly (NM_001407130.1); c.665A>G, p.Glu222Gly (NM_001407132.1, NM_001407133.1, NM_001407134.1 and 2 more transcripts); c.485A>G, p.Glu162Gly (NM_001407137.1); and 1 more; short protein forms E257G, E282G, E258G, E266G, E137G, E293G, E162G, E222G.
Identifiers: ClinVar variation 1172065 (VCV001172065.12), dbSNP rs2125434288, ClinGen allele CA351807831.

ClinVar aggregate classification (germline): Uncertain significance. Review status: criteria provided, multiple submitters, no conflicts (2 of 4 stars). 4 submissions from 4 submitters: Uncertain significance (4). Last evaluated 2024-03-30.

Conditions:
Familial thoracic aortic aneurysm and aortic dissection (TAAD). Also called: Thoracic aortic aneurysms and dissections. Identifiers: Orphanet 91387, MedGen C4707243, MONDO:0019625.

Submissions (4):

Ambry Genetics
Classification: Uncertain significance for Familial thoracic aortic aneurysm and aortic dissection. Last evaluated: 2024-03-30. Review status: criteria provided, single submitter. Criteria: Ambry Variant Classification Scheme 2023. Collection method: clinical testing. Allele origin: germline.
Comment: The p.E257G variant (also known as c.770A>G), located in coding exon 4 of the TGFBR2 gene, results from an A to G substitution at nucleotide position 770. The glutamic acid at codon 257 is replaced by glycine, an amino acid with similar properties. This amino acid position is conserved. In addition, this alteration is predicted to be deleterious by in silico analysis. Based on the available evidence, the clinical significance of this alteration remains unclear.

Color Diagnostics, LLC DBA Color Health
Classification: Uncertain significance for Familial thoracic aortic aneurysm and aortic dissection. Last evaluated: 2024-03-07. Review status: criteria provided, single submitter. Criteria: ACMG Guidelines, 2015. Collection method: clinical testing. Allele origin: germline.
Comment: This missense variant replaces glutamic acid with glycine at codon 257 of the TGFBR2 protein. Computational prediction suggests that this variant may have deleterious impact on protein structure and function (internally defined REVEL score threshold >= 0.7, PMID: 27666373). To our knowledge, functional studies have not been reported for this variant. This variant has not been reported in individuals affected with cardiovascular disorders in the literature. This variant has not been identified in the general population by the Genome Aggregation Database (gnomAD). The available evidence is insufficient to determine the role of this variant in disease conclusively. Therefore, this variant is classified as a Variant of Uncertain Significance.

Labcorp Genetics (formerly Invitae), Labcorp
Classification: Uncertain significance for Familial thoracic aortic aneurysm and aortic dissection. Last evaluated: 2022-10-07. Review status: criteria provided, single submitter. Criteria: Invitae Variant Classification Sherloc (09022015). Collection method: clinical testing. Allele origin: germline.
Comment: This sequence change replaces glutamic acid, which is acidic and polar, with glycine, which is neutral and non-polar, at codon 257 of the TGFBR2 protein (p.Glu257Gly). This variant is not present in population databases (gnomAD no frequency). This variant has not been reported in the literature in individuals affected with TGFBR2-related conditions. ClinVar contains an entry for this variant (Variation ID: 1172065). Advanced modeling of protein sequence and biophysical properties (such as structural, functional, and spatial information, amino acid conservation, physicochemical variation, residue mobility, and thermodynamic stability) performed at Invitae indicates that this missense variant is expected to disrupt TGFBR2 protein function. In summary, the available evidence is currently insufficient to determine the role of this variant in disease. Therefore, it has been classified as a Variant of Uncertain Significance.

GeneDx
Classification: Uncertain significance. Last evaluated: 2019-04-16. Review status: criteria provided, single submitter. Criteria: GeneDx Variant Classification Process June 2021. Collection method: clinical testing. Allele origin: germline. Affected: yes.
Comment: Has not been previously published as pathogenic or benign to our knowledge; In silico analysis, which includes protein predictors and evolutionary conservation, supports a deleterious effect; Not observed in large population cohorts (Lek et al., 2016)